The following is an entry in ClinVar:

ClinVar aggregate classification (germline): Likely benign (1 of 4 stars; one submission).

Allele frequency attached by ClinVar (database versions not stated): gnomAD 0.00721 and 0.00771; TOPMed 0.00767; 1000 Genomes Project 0.00839; 1000 Genomes Project 30x 0.00906.

Submission:

GeneDx
Classification: Likely benign. Last evaluated: 2018-06-14. Review status: criteria provided, single submitter. Criteria: GeneDx Variant Classification (06012015). Collection method: clinical testing. Allele origin: germline. Affected: yes.
Comment: This variant is considered likely benign or benign based on one or more of the following criteria: it is a conservative change, it occurs at a poorly conserved position in the protein, it is predicted to be benign by multiple in silico algorithms, and/or has population frequency not consistent with disease.

NM_004456.5(EZH2):c.246+229G>A

Gene: EZH2 (enhancer of zeste 2 polycomb repressive complex 2 subunit; minus strand). Cytogenetic location: 7q36.1.
Variant type: single nucleotide variant.
Coding change: c.246+229G>A on transcript NM_004456.5 (MANE Select); 229 bases into the intron after coding-DNA position 246, G replaced by A.
Molecular consequence: intron variant.
Genome position (GRCh38, 1-based): chr7:148,846,241, C>T on the plus strand (G>A on the coding strand, the complement: EZH2 is on the minus strand). VCF-style: chr7-148846241-C-T. GRCh37 (hg19) VCF-style: chr7-148543333-C-T.
Other names: c.219+256G>A (NM_001203248.2, NM_001203249.2); c.246+229G>A (NM_152998.3, NM_001203247.2).
Identifiers: ClinVar variation 677790 (VCV000677790.1), dbSNP rs112676067, ClinGen allele CA168875056.
Genomic context (GRCh38, chr7:148,846,241, plus strand): 5'-GGACATTAAAGAGTATTTGATTTAAAAGCTTTTTTTTTTAAATCAACATTCTTATAAAAT[C>T]TAGGCATCTACCTAGTTCAAAGTATATTCCAAACACTTAGAACTCTGTTATAGGAATAGC-3'